The following is an entry in ClinVar:

ClinVar aggregate classification (germline): Uncertain significance (1 of 4 stars; one submission).

Submission:

Ambry Genetics
Classification: Uncertain significance. Last evaluated: 2024-12-01. Review status: criteria provided, single submitter. Criteria: Ambry Variant Classification Scheme 2023. Collection method: clinical testing. Allele origin: germline.
Comment: The p.A464S variant (also known as c.1390G>T), located in coding exon 6 of the WNK2 gene, results from a G to T substitution at nucleotide position 1390. The alanine at codon 464 is replaced by serine, an amino acid with similar properties. This amino acid position is conserved. In addition, the in silico prediction for this alteration is inconclusive. Based on the available evidence, the clinical significance of this variant remains unclear.

NM_006648.4(WNK2):c.1390G>T (p.Ala464Ser)

Gene: WNK2 (WNK lysine deficient protein kinase 2; plus strand). Cytogenetic location: 9q22.31.
Variant type: single nucleotide variant.
Coding change: c.1390G>T on transcript NM_006648.4 (MANE Select); coding-DNA position 1390, G replaced by T.
Protein change: p.Ala464Ser; replaces alanine 464 with serine.
Molecular consequence: missense variant.
Genome position (GRCh38, 1-based): chr9:93,239,824, G>T. VCF-style: chr9-93239824-G-T. GRCh37 (hg19) VCF-style: chr9-96002106-G-T.
Other names: c.1390G>T, p.Ala464Ser (NM_001282394.3); short protein forms A464S.
Identifiers: ClinVar variation 3470546 (VCV003470546.1).